The following is an entry in ClinVar:

ClinVar aggregate classification (germline): Likely benign (1 of 4 stars; one submission).

Allele frequency attached by ClinVar (database versions not stated): 1000 Genomes Project 0.00120; 1000 Genomes Project 30x 0.00141; gnomAD 0.00156; TOPMed 0.00160; ExAC 0.00184; ESP Exome Variant Server 0.00185; gnomAD exomes 0.00203.
gnomAD v4.1: 3,222 of 1,614,070 alleles (0.2%); highest among the groups gnomAD compares: Admixed American, 0.22%; 3 homozygotes.

Submission:

CeGaT Center for Human Genetics Tuebingen
Classification: Likely benign. Last evaluated: 2022-09-01. Review status: criteria provided, single submitter. Criteria: CeGaT Center For Human Genetics Tuebingen Variant Classification Criteria Version 2. Collection method: clinical testing. Allele origin: germline. Affected: yes. Observed: 1 variant allele.
Comment: ADCK2: BP4, BP7

NM_052853.4(ADCK2):c.1251C>T (p.Pro417=)

Gene: ADCK2 (aarF domain containing kinase 2; plus strand). Cytogenetic location: 7q34.
Variant type: single nucleotide variant.
Coding change: c.1251C>T on transcript NM_052853.4 (MANE Select); coding-DNA position 1251, C replaced by T.
Protein change: p.Pro417=; no amino-acid change (proline 417 retained).
Molecular consequence: synonymous variant.
Genome position (GRCh38, 1-based): chr7:140,681,083, C>T. VCF-style: chr7-140681083-C-T. GRCh37 (hg19) VCF-style: chr7-140380883-C-T.
Identifiers: ClinVar variation 2658022 (VCV002658022.24), dbSNP rs143903675, ClinGen allele CA4516056.